The following is an entry in ClinVar:

NM_001250.6(CD40):c.371C>T (p.Ser124Leu)

Gene: CD40 (CD40 molecule; plus strand). Cytogenetic location: 20q13.12.
Variant type: single nucleotide variant.
Coding change: c.371C>T on transcript NM_001250.6 (MANE Select); coding-DNA position 371, C replaced by T.
Protein change: p.Ser124Leu; replaces serine 124 with leucine.
Molecular consequence: missense variant. On other transcripts: non-coding transcript variant (2).
Genome position (GRCh38, 1-based): chr20:46,122,724, C>T. VCF-style: chr20-46122724-C-T. GRCh37 (hg19) VCF-style: chr20-44751363-C-T.
Other names: c.371C>T, p.Ser124Leu (NM_001302753.2, NM_001322421.2, NM_001322422.2 and 2 more transcripts); short protein forms S124L.
Identifiers: ClinVar variation 338573 (VCV000338573.24), dbSNP rs11569321, ClinGen allele CA9888451.

ClinVar aggregate classification (germline): Benign. Review status: criteria provided, multiple submitters, no conflicts (2 of 4 stars). 5 submissions from 5 submitters: Benign (5). Last evaluated 2026-02-04.

Conditions:
Hyper-IgM syndrome type 3. Also called: Hyper-IgM Immunodeficiency Syndrome, Type 3. Identifiers: Orphanet 101090, MedGen C1720957, MONDO:0011735, OMIM 606843.

Allele frequency attached by ClinVar (database versions not stated): gnomAD exomes 0.00406 and 0.01044; ExAC 0.01273; gnomAD 0.03880 and 0.04146; ESP Exome Variant Server 0.04352; TOPMed 0.04392; 1000 Genomes Project 0.04553; 1000 Genomes Project 30x 0.04888.
gnomAD v4.1: 12,114 of 1,614,124 alleles (0.75%); highest among the groups gnomAD compares: African/African-American, 14%; 702 homozygotes.

Submissions (5):

Labcorp Genetics (formerly Invitae), Labcorp
Classification: Benign. Last evaluated: 2026-02-04. Review status: criteria provided, single submitter. Criteria: Invitae Variant Classification Sherloc (09022015). Collection method: clinical testing. Allele origin: germline.

ARUP Laboratories, Molecular Genetics and Genomics, ARUP Laboratories
Classification: Benign for Hyper-IgM syndrome type 3. Last evaluated: 2024-08-07. Review status: criteria provided, single submitter. Criteria: ARUP Molecular Germline Variant Investigation Process 2024. Collection method: clinical testing. Allele origin: germline.

Illumina Laboratory Services, Illumina
Classification: Benign for Hyper-IgM syndrome type 3. Last evaluated: 2018-01-12. Review status: criteria provided, single submitter. Criteria: ICSL Variant Classification Criteria 13 December 2019. Collection method: clinical testing. Allele origin: germline.
Comment: This variant was observed in the ICSL laboratory as part of a predisposition screen in an ostensibly healthy population. It had not been previously curated by ICSL or reported in the Human Gene Mutation Database (HGMD: prior to June 1st, 2018), and was therefore a candidate for classification through an automated scoring system. Utilizing variant allele frequency, disease prevalence and penetrance estimates, and inheritance mode, an automated score was calculated to assess if this variant is too frequent to cause the disease. Based on the score and internal cut-off values, a variant classified as benign is not then subjected to further curation. The score for this variant resulted in a classification of benign for this disease.

Mayo Clinic Laboratories, Mayo Clinic
Classification: Benign. Last evaluated: 2016-10-06. Review status: criteria provided, single submitter. Criteria: ACMG Guidelines, 2015. Collection method: clinical testing. Allele origin: germline. Observed: 3 variant alleles.

Breakthrough Genomics
Classification: Benign. Review status: criteria provided, single submitter. Criteria: ACMG Guidelines, 2015. Collection method: not provided. Allele origin: germline. Inheritance: Autosomal recessive inheritance. Affected: yes.